The following is an entry in ClinVar:

ClinVar aggregate classification (germline): Uncertain significance (1 of 4 stars; one submission).

Conditions:
Glanzmann thrombasthenia. Also called: BLEEDING DISORDER, PLATELET-TYPE, 2; THROMBASTHENIA OF GLANZMANN AND NAEGELI; PLATELET GLYCOPROTEIN IIb-IIIa DEFICIENCY; Thrombasthenia; Glanzmann's thrombasthenia. Identifiers: Orphanet 849, MedGen C0040015, MONDO:0100326.

gnomAD v4.1: 1 of 1,614,138 alleles (0.000062%); highest among the groups gnomAD compares: Non-Finnish European, 0.000085%; no homozygotes.

Submission:

Labcorp Genetics (formerly Invitae), Labcorp
Classification: Uncertain significance for Glanzmann thrombasthenia. Last evaluated: 2025-04-10. Review status: criteria provided, single submitter. Criteria: Invitae Variant Classification Sherloc (09022015). Collection method: clinical testing. Allele origin: germline.
Comment: This sequence change replaces leucine, which is neutral and non-polar, with methionine, which is neutral and non-polar, at codon 34 of the ITGA2B protein (p.Leu34Met). This variant is present in population databases (no rsID available, gnomAD 0.01%). This variant has not been reported in the literature in individuals affected with ITGA2B-related conditions. ClinVar contains an entry for this variant (Variation ID: 3716008). Invitae Evidence Modeling of protein sequence and biophysical properties (such as structural, functional, and spatial information, amino acid conservation, physicochemical variation, residue mobility, and thermodynamic stability) indicates that this missense variant is expected to disrupt ITGA2B protein function with a positive predictive value of 95%. In summary, the available evidence is currently insufficient to determine the role of this variant in disease. Therefore, it has been classified as a Variant of Uncertain Significance.

NM_000419.5(ITGA2B):c.100C>A (p.Leu34Met)

Gene: ITGA2B (integrin subunit alpha 2b; minus strand). Cytogenetic location: 17q21.31.
Variant type: single nucleotide variant.
Coding change: c.100C>A on transcript NM_000419.5 (MANE Select); coding-DNA position 100, C replaced by A.
Protein change: p.Leu34Met; replaces leucine 34 with methionine.
Molecular consequence: missense variant.
Genome position (GRCh38, 1-based): chr17:44,389,374, G>T on the plus strand (C>A on the coding strand, the complement: ITGA2B is on the minus strand). VCF-style: chr17-44389374-G-T. GRCh37 (hg19) VCF-style: chr17-42466742-G-T.
Other names: short protein forms L34M.
Identifiers: ClinVar variation 3716008 (VCV003716008.2).